The following is an entry in ClinVar:

ClinVar aggregate classification (germline): Uncertain significance. Review status: criteria provided, multiple submitters, no conflicts (2 of 4 stars). 2 submissions from 2 submitters: Uncertain significance (2). Last evaluated 2024-04-22.

Allele frequency attached by ClinVar (database versions not stated): gnomAD exomes 0.00001.
gnomAD v4.1: 10 of 1,613,770 alleles (0.00062%); highest among the groups gnomAD compares: Non-Finnish European, 0.00068%; no homozygotes.

Submissions (2):

Blueprint Genetics
Classification: Uncertain significance. Last evaluated: 2024-04-22. Review status: criteria provided, single submitter. Criteria: ACMG Guidelines, 2015. Collection method: clinical testing. Allele origin: germline.

Labcorp Genetics (formerly Invitae), Labcorp
Classification: Uncertain significance. Last evaluated: 2022-02-20. Review status: criteria provided, single submitter. Criteria: Invitae Variant Classification Sherloc (09022015). Collection method: clinical testing. Allele origin: germline.
Comment: In summary, the available evidence is currently insufficient to determine the role of this variant in disease. Therefore, it has been classified as a Variant of Uncertain Significance. Algorithms developed to predict the effect of missense changes on protein structure and function (SIFT, PolyPhen-2, Align-GVGD) all suggest that this variant is likely to be disruptive. This variant has not been reported in the literature in individuals affected with AEBP1-related conditions. This variant is not present in population databases (gnomAD no frequency). This sequence change replaces proline, which is neutral and non-polar, with serine, which is neutral and polar, at codon 666 of the AEBP1 protein (p.Pro666Ser).

NM_001129.5(AEBP1):c.1996C>T (p.Pro666Ser)

Gene: AEBP1 (AE binding protein 1; plus strand). Cytogenetic location: 7p13.
Variant type: single nucleotide variant.
Coding change: c.1996C>T on transcript NM_001129.5 (MANE Select); coding-DNA position 1996, C replaced by T.
Protein change: p.Pro666Ser; replaces proline 666 with serine.
Molecular consequence: missense variant.
Genome position (GRCh38, 1-based): chr7:44,112,009, C>T. VCF-style: chr7-44112009-C-T. GRCh37 (hg19) VCF-style: chr7-44151608-C-T.
Other names: short protein forms P666S.
Identifiers: ClinVar variation 2100210 (VCV002100210.5), dbSNP rs2484356512, ClinGen allele CA367367672.
Genomic context (GRCh38, chr7:44,112,009, plus strand): 5'-TACCGCGATGGGAACCCACGTGTGCGCAGCCTGGTGCAGGACACACGCATCCACCTGGTG[C>T]CCTCACTGAACCCTGATGGCTACGAGGTGGCAGCGCAGATGGTGGGTTGAAGGGTGAGGC-3'
Protein context (NP_001120.3, residues 656-676): LVQDTRIHLV[Pro666Ser]SLNPDGYEVA